The following is an entry in ClinVar:

ClinVar aggregate classification (germline): Uncertain significance. Review status: criteria provided, multiple submitters, no conflicts (2 of 4 stars). 2 submissions from 2 submitters: Uncertain significance (2). Last evaluated 2023-04-25.

Allele frequency attached by ClinVar (database versions not stated): gnomAD exomes below 0.00001; ExAC 0.00001; TOPMed 0.00001.
gnomAD v4.1: 3 of 1,604,076 alleles (0.00019%); highest among the groups gnomAD compares: Admixed American, 0.0034%; no homozygotes.

Submissions (2):

Revvity Omics, Revvity
Classification: Uncertain significance. Last evaluated: 2023-04-25. Review status: criteria provided, single submitter. Criteria: ACMG Guidelines, 2015. Collection method: clinical testing. Allele origin: germline.

Labcorp Genetics (formerly Invitae), Labcorp
Classification: Uncertain significance. Last evaluated: 2022-02-21. Review status: criteria provided, single submitter. Criteria: Invitae Variant Classification Sherloc (09022015). Collection method: clinical testing. Allele origin: germline.
Comment: In summary, the available evidence is currently insufficient to determine the role of this variant in disease. Therefore, it has been classified as a Variant of Uncertain Significance. Advanced modeling of protein sequence and biophysical properties (such as structural, functional, and spatial information, amino acid conservation, physicochemical variation, residue mobility, and thermodynamic stability) performed at Invitae indicates that this missense variant is not expected to disrupt DCHS1 protein function. This variant has not been reported in the literature in individuals affected with DCHS1-related conditions. This variant is present in population databases (rs776994461, gnomAD 0.006%). This sequence change replaces valine, which is neutral and non-polar, with methionine, which is neutral and non-polar, at codon 660 of the DCHS1 protein (p.Val660Met).

NM_003737.4(DCHS1):c.1978G>A (p.Val660Met)

Gene: DCHS1 (dachsous cadherin-related 1; minus strand). Cytogenetic location: 11p15.4.
Variant type: single nucleotide variant.
Coding change: c.1978G>A on transcript NM_003737.4 (MANE Select); coding-DNA position 1978, G replaced by A.
Protein change: p.Val660Met; replaces valine 660 with methionine.
Molecular consequence: missense variant.
Genome position (GRCh38, 1-based): chr11:6,634,126, C>T on the plus strand (G>A on the coding strand, the complement: DCHS1 is on the minus strand). VCF-style: chr11-6634126-C-T. GRCh37 (hg19) VCF-style: chr11-6655357-C-T.
Other names: short protein forms V660M.
Identifiers: ClinVar variation 1968921 (VCV001968921.7), dbSNP rs776994461, ClinGen allele CA5860850.